The following is an entry in ClinVar:

ClinVar aggregate classification (germline): Benign/Likely benign. Review status: criteria provided, multiple submitters, no conflicts (2 of 4 stars). 4 submissions from 4 submitters: Benign (1); Likely benign (3). Last evaluated 2024-07-16.

Conditions:
Hereditary cancer-predisposing syndrome. Also called: Hereditary Cancer Syndrome; Hereditary neoplastic syndrome; Neoplastic Syndromes, Hereditary; Tumor predisposition. Identifiers: Orphanet 140162, MedGen C0027672, MeSH D009386, MONDO:0015356.
Familial adenomatous polyposis 1 (FAP1). Also called: FAMILIAL ADENOMATOUS POLYPOSIS 1, ATTENUATED; POLYPOSIS, ADENOMATOUS INTESTINAL. Identifiers: MedGen C2713442, MONDO:0021056, OMIM 175100. Disease mechanism: loss of function.

Allele frequency attached by ClinVar (database versions not stated): gnomAD 0.00001.
gnomAD v4.1: 1 of 1,614,128 alleles (0.000062%); highest among the groups gnomAD compares: African/African-American, 0.0013%; no homozygotes.

Submissions (4):

Labcorp Genetics (formerly Invitae), Labcorp
Classification: Likely benign for Familial adenomatous polyposis 1. Last evaluated: 2024-07-16. Review status: criteria provided, single submitter. Criteria: Invitae Variant Classification Sherloc (09022015). Collection method: clinical testing. Allele origin: germline.

Myriad Genetics, Inc.
Classification: Benign for Familial adenomatous polyposis 1. Last evaluated: 2024-03-22. Review status: criteria provided, single submitter. Criteria: Myriad Autosomal Dominant, Autosomal Recessive and X-Linked Classification Criteria (2023). Collection method: clinical testing. Allele origin: unknown.
Comment: This variant is considered benign. This variant is a silent/synonymous amino acid change and it is not expected to impact splicing.

Ambry Genetics
Classification: Likely benign for Hereditary cancer-predisposing syndrome. Last evaluated: 2022-06-09. Review status: criteria provided, single submitter. Criteria: Ambry Variant Classification Scheme 2023. Collection method: clinical testing. Allele origin: germline.

GeneDx
Classification: Likely benign. Last evaluated: 2016-01-06. Review status: criteria provided, single submitter. Criteria: GeneDx Variant Classification (06012015). Collection method: clinical testing. Allele origin: germline. Affected: yes.
Comment: This variant is considered likely benign or benign based on one or more of the following criteria: it is a conservative change, it occurs at a poorly conserved position in the protein, it is predicted to be benign by multiple in silico algorithms, and/or has population frequency not consistent with disease.

NM_000038.6(APC):c.3897T>A (p.Ala1299=)

Gene: APC (APC regulator of Wnt signaling pathway; plus strand). Cytogenetic location: 5q22.2.
Variant type: single nucleotide variant.
Coding change: c.3897T>A on transcript NM_000038.6 (MANE Select); coding-DNA position 3897, T replaced by A.
Protein change: p.Ala1299=; no amino-acid change (alanine 1299 retained).
Molecular consequence: synonymous variant.
Genome position (GRCh38, 1-based): chr5:112,839,491, T>A. VCF-style: chr5-112839491-T-A. GRCh37 (hg19) VCF-style: chr5-112175188-T-A.
Other names: c.3897T>A, p.Ala1299= (NM_001127510.3, NM_001354895.2); c.3843T>A, p.Ala1281= (NM_001127511.3); c.3951T>A, p.Ala1317= (NM_001354896.2); c.3927T>A, p.Ala1309= (NM_001354897.2); c.3822T>A, p.Ala1274= (NM_001354898.2); c.3813T>A, p.Ala1271= (NM_001354899.2); c.3774T>A, p.Ala1258= (NM_001354900.2); c.3720T>A, p.Ala1240= (NM_001354901.2); and 5 more.
Identifiers: ClinVar variation 382853 (VCV000382853.8), dbSNP rs1057521474, ClinGen allele CA16604663.